The following is an entry in ClinVar:

ClinVar aggregate classification (germline): Conflicting classifications of pathogenicity. Review status: criteria provided, conflicting classifications (1 of 4 stars). 2 submissions from 2 submitters: Uncertain significance (1); Likely benign (1). Last evaluated 2025-05-18.

Conditions:
Familial thoracic aortic aneurysm and aortic dissection (TAAD). Also called: Thoracic aortic aneurysms and dissections. Identifiers: Orphanet 91387, MedGen C4707243, MONDO:0019625.

Allele frequency attached by ClinVar (database versions not stated): gnomAD 0.00003; TOPMed 0.00003; ExAC 0.00008.
gnomAD v4.1: 4 of 1,544,862 alleles (0.00026%); highest among the groups gnomAD compares: African/African-American, 0.0055%; no homozygotes.

Submissions (2):

Ambry Genetics
Classification: Likely benign for Familial thoracic aortic aneurysm and aortic dissection. Last evaluated: 2025-05-18. Review status: criteria provided, single submitter. Criteria: Ambry Variant Classification Scheme 2023. Collection method: clinical testing. Allele origin: germline.

GeneDx
Classification: Uncertain significance. Last evaluated: 2023-01-16. Review status: criteria provided, single submitter. Criteria: GeneDx Variant Classification Process June 2021. Collection method: clinical testing. Allele origin: germline. Affected: yes.
Comment: Has not been previously published as pathogenic or benign to our knowledge; In silico analysis supports that this variant does not alter splicing

NM_003036.4(SKI):c.2094G>A (p.Leu698=)

Gene: SKI (SKI proto-oncogene; plus strand). Cytogenetic location: 1p36.32.
Variant type: single nucleotide variant.
Coding change: c.2094G>A on transcript NM_003036.4 (MANE Select); coding-DNA position 2094, G replaced by A.
Protein change: p.Leu698=; no amino-acid change (leucine 698 retained).
Molecular consequence: synonymous variant.
Genome position (GRCh38, 1-based): chr1:2,306,672, G>A. VCF-style: chr1-2306672-G-A. GRCh37 (hg19) VCF-style: chr1-2238111-G-A.
Identifiers: ClinVar variation 2136054 (VCV002136054.2), dbSNP rs753243627, ClinGen allele CA536854.